The following is an entry in ClinVar:

ClinVar aggregate classification (germline): Uncertain significance (1 of 4 stars; one submission).

Conditions:
Cardiomyopathy (CMYO). Also called: Cardiomyopathies. Identifiers: Orphanet 167848, MedGen C0878544, MONDO:0004994, HP:0001638. Inheritance: Various modes of inheritance.

Submission:

Color Diagnostics, LLC DBA Color Health
Classification: Uncertain significance for Cardiomyopathy. Last evaluated: 2023-12-04. Review status: criteria provided, single submitter. Criteria: ACMG Guidelines, 2015. Collection method: clinical testing. Allele origin: germline.
Comment: This missense variant replaces aspartic acid with valine at codon 902 of the MYBPC3 protein. Computational prediction tools and conservation analyses are inconclusive regarding the impact of this variant on the protein function. Computational splicing tools suggest that this variant may not impact RNA splicing. To our knowledge, functional assays have not been performed for this variant nor has this variant been reported in individuals affected with cardiovascular disorders in the literature. This variant has not been identified in the general population by the Genome Aggregation Database (gnomAD). Available evidence is insufficient to determine the role of this variant in disease conclusively. Therefore, this variant is classified as a Variant of Uncertain Significance.

NM_000256.3(MYBPC3):c.2705A>T (p.Asp902Val)

Gene: MYBPC3 (myosin binding protein C3; minus strand). Cytogenetic location: 11p11.2.
Variant type: single nucleotide variant.
Coding change: c.2705A>T on transcript NM_000256.3 (MANE Select); coding-DNA position 2705, A replaced by T.
Protein change: p.Asp902Val; replaces aspartic acid 902 with valine.
Molecular consequence: missense variant.
Genome position (GRCh38, 1-based): chr11:47,335,909, T>A on the plus strand (A>T on the coding strand, the complement: MYBPC3 is on the minus strand). VCF-style: chr11-47335909-T-A. GRCh37 (hg19) VCF-style: chr11-47357460-T-A.
Other names: short protein forms D902V.
Identifiers: ClinVar variation 923306 (VCV000923306.5), dbSNP rs959418808, ClinGen allele CA380317182.